The following is an entry in ClinVar:

NM_001999.4(FBN2):c.6881-1G>A

Gene: FBN2 (fibrillin 2; minus strand). Cytogenetic location: 5q23.3.
Variant type: single nucleotide variant.
Coding change: c.6881-1G>A on transcript NM_001999.4 (MANE Select); the canonical splice acceptor site of the intron before coding-DNA position 6881, G replaced by A.
Molecular consequence: splice acceptor variant.
Genome position (GRCh38, 1-based): chr5:128,286,850, C>T on the plus strand (G>A on the coding strand, the complement: FBN2 is on the minus strand). VCF-style: chr5-128286850-C-T. GRCh37 (hg19) VCF-style: chr5-127622542-C-T.
Identifiers: ClinVar variation 2768614 (VCV002768614.3), dbSNP rs779540232, ClinGen allele CA360759314.

ClinVar aggregate classification (germline): Uncertain significance (1 of 4 stars; one submission).

Conditions:
Congenital contractural arachnodactyly (CCA). Also called: BEALS SYNDROME; Arthrogryposis, distal, type 9; Beals-Hecht syndrome. Identifiers: Orphanet 115, MedGen C0220668, MONDO:0007363, OMIM 121050.

gnomAD v4.1: 1 of 1,613,888 alleles (0.000062%); highest among the groups gnomAD compares: Non-Finnish European, 0.000085%; no homozygotes.

Submission:

Labcorp Genetics (formerly Invitae), Labcorp
Classification: Uncertain significance for Congenital contractural arachnodactyly. Last evaluated: 2023-10-15. Review status: criteria provided, single submitter. Criteria: Invitae Variant Classification Sherloc (09022015). Collection method: clinical testing. Allele origin: germline.
Comment: This sequence change affects an acceptor splice site in intron 54 of the FBN2 gene. It is expected to disrupt RNA splicing. Variants that disrupt the donor or acceptor splice site typically lead to a loss of protein function (PMID: 16199547), however the current clinical and genetic evidence is not sufficient to establish whether loss-of-function variants in FBN2 cause disease. This variant is not present in population databases (gnomAD no frequency). This variant has not been reported in the literature in individuals affected with FBN2-related conditions. Algorithms developed to predict the effect of sequence changes on RNA splicing suggest that this variant may disrupt the consensus splice site. In summary, the available evidence is currently insufficient to determine the role of this variant in disease. Therefore, it has been classified as a Variant of Uncertain Significance.

Literature cited by the submitters: PubMed 16199547.